The following is an entry in ClinVar:

NM_001004334.4(GPR179):c.5795A>G (p.Glu1932Gly)

Gene: GPR179 (G protein-coupled receptor 179; minus strand). Cytogenetic location: 17q12.
Variant type: single nucleotide variant.
Coding change: c.5795A>G on transcript NM_001004334.4 (MANE Select); coding-DNA position 5795, A replaced by G.
Protein change: p.Glu1932Gly; replaces glutamic acid 1932 with glycine.
Molecular consequence: missense variant.
Genome position (GRCh38, 1-based): chr17:38,327,774, T>C on the plus strand (A>G on the coding strand, the complement: GPR179 is on the minus strand). VCF-style: chr17-38327774-T-C. GRCh37 (hg19) VCF-style: chr17-36483657-T-C.
Other names: short protein forms E1932G.
Identifiers: ClinVar variation 1957695 (VCV001957695.5), dbSNP rs779028952, ClinGen allele CA290103330.
Genomic context (GRCh38, chr17:38,327,774, plus strand): 5'-TGGCTTGTTTTTTCCCCATCTTCAGTAGTGAATTCTTCTGTGTCTGCAGCTGGAGCTTTT[T>C]CTTGGGTTATGTGTTCTGGGAAGGAACCTGTCTTTGGGTCTTGTCTCAGGTCCCCCTTCT-3'
Protein context (NP_001004334.3, residues 1922-1942): TGSFPEHITQ[Glu1932Gly]KAPAADTEEF

ClinVar aggregate classification (germline): Uncertain significance (1 of 4 stars; one submission).

Allele frequency attached by ClinVar (database versions not stated): TOPMed below 0.00001; ExAC 0.00001; gnomAD exomes 0.00001.
gnomAD v4.1: 16 of 1,614,196 alleles (0.00099%); highest among the groups gnomAD compares: Non-Finnish European, 0.0014%; no homozygotes.

Submission:

Labcorp Genetics (formerly Invitae), Labcorp
Classification: Uncertain significance. Last evaluated: 2022-07-06. Review status: criteria provided, single submitter. Criteria: Invitae Variant Classification Sherloc (09022015). Collection method: clinical testing. Allele origin: germline.
Comment: In summary, the available evidence is currently insufficient to determine the role of this variant in disease. Therefore, it has been classified as a Variant of Uncertain Significance. Algorithms developed to predict the effect of missense changes on protein structure and function output the following: SIFT: "Tolerated"; PolyPhen-2: "Benign"; Align-GVGD: "Class C0". The glycine amino acid residue is found in multiple mammalian species, which suggests that this missense change does not adversely affect protein function. This variant has not been reported in the literature in individuals affected with GPR179-related conditions. This variant is present in population databases (rs779028952, gnomAD 0.0009%). This sequence change replaces glutamic acid, which is acidic and polar, with glycine, which is neutral and non-polar, at codon 1932 of the GPR179 protein (p.Glu1932Gly).